The following is an entry in ClinVar:

NM_002049.4(GATA1):c.1140G>A (p.Met380Ile)

Gene: GATA1 (GATA binding protein 1; plus strand). Cytogenetic location: Xp11.23.
Variant type: single nucleotide variant.
Coding change: c.1140G>A on transcript NM_002049.4 (MANE Select); coding-DNA position 1140, G replaced by A.
Protein change: p.Met380Ile; replaces methionine 380 with isoleucine.
Molecular consequence: missense variant.
Genome position (GRCh38, 1-based): chrX:48,794,062, G>A. VCF-style: chrX-48794062-G-A. GRCh37 (hg19) VCF-style: chrX-48652469-G-A.
Other names: p.Met380Ile; short protein forms M380I.
Identifiers: ClinVar variation 3380744 (VCV003380744.1).
Genomic context (GRCh38, chrX:48,794,062, plus strand): 5'-TGCCCATCTCTACCAAGGCCTGGGCCCTGTGGTGCTGTCAGGGCCTGTTAGCCACCTCAT[G>A]CCTTTCCCTGGACCCCTACTGGGCTCACCCACGGGCTCCTTCCCCACAGGCCCCATGCCC-3'
Protein context (NP_002040.1, residues 370-390): VVLSGPVSHL[Met380Ile]PFPGPLLGSP

ClinVar aggregate classification (germline): Uncertain significance (1 of 4 stars; one submission).

Submission:

Mayo Clinic Laboratories, Mayo Clinic
Classification: Uncertain significance. Last evaluated: 2024-01-04. Review status: criteria provided, single submitter. Criteria: ACMG Guidelines, 2015. Collection method: clinical testing. Allele origin: germline. Observed: 1 variant allele.
Comment: PM1_supporting, PM2_moderate